The following is an entry in ClinVar:

NM_006567.5(FARS2):c.815A>C (p.His272Pro)

Gene: FARS2 (phenylalanyl-tRNA synthetase 2, mitochondrial; plus strand). Cytogenetic location: 6p25.1.
Variant type: single nucleotide variant.
Coding change: c.815A>C on transcript NM_006567.5 (MANE Select); coding-DNA position 815, A replaced by C.
Protein change: p.His272Pro; replaces histidine 272 with proline.
Molecular consequence: missense variant. On other transcripts: intron variant (1).
Genome position (GRCh38, 1-based): chr6:5,431,083, A>C. VCF-style: chr6-5431083-A-C. GRCh37 (hg19) VCF-style: chr6-5431316-A-C.
Other names: c.815A>C, p.His272Pro (NM_001374877.1, NM_001374878.1, NM_001374879.1 and 4 more transcripts); c.119A>C, p.His40Pro (NM_001375259.1, NM_001375260.1); c.772+26382A>C (NM_001375258.1); short protein forms H40P, H272P.
Identifiers: ClinVar variation 1489747 (VCV001489747.6), dbSNP rs2127767829, ClinGen allele CA362736134.

ClinVar aggregate classification (germline): Uncertain significance (1 of 4 stars; one submission).

Conditions:
Combined oxidative phosphorylation defect type 14. Also called: Combined oxidative phosphorylation deficiency 14. Identifiers: Orphanet 319519, MedGen C4755312, MONDO:0013986, OMIM 614946.

Submission:

Labcorp Genetics (formerly Invitae), Labcorp
Classification: Uncertain significance for Combined oxidative phosphorylation defect type 14. Last evaluated: 2021-10-25. Review status: criteria provided, single submitter. Criteria: Invitae Variant Classification Sherloc (09022015). Collection method: clinical testing. Allele origin: germline.
Comment: In summary, the available evidence is currently insufficient to determine the role of this variant in disease. Therefore, it has been classified as a Variant of Uncertain Significance. Advanced modeling of protein sequence and biophysical properties (such as structural, functional, and spatial information, amino acid conservation, physicochemical variation, residue mobility, and thermodynamic stability) performed at Invitae indicates that this missense variant is expected to disrupt FARS2 protein function. This variant has not been reported in the literature in individuals affected with FARS2-related conditions. This variant is not present in population databases (ExAC no frequency). This sequence change replaces histidine with proline at codon 272 of the FARS2 protein (p.His272Pro). The histidine residue is moderately conserved and there is a moderate physicochemical difference between histidine and proline.